The following is an entry in ClinVar:

ClinVar aggregate classification (germline): Conflicting classifications of pathogenicity. Review status: criteria provided, conflicting classifications (1 of 4 stars). 5 submissions from 5 submitters: Uncertain significance (1); Benign (1); Likely benign (3). Last evaluated 2026-04-28.

Conditions:
Autosomal dominant nocturnal frontal lobe epilepsy 4. Also called: EPILEPSY, FAMILIAL, WITH NOCTURNAL WANDERING AND ICTAL FEAR; CHRNA2-Related Nocturnal Frontal Lobe Epilepsy, Autosomal Dominant. Identifiers: Orphanet 98784, MedGen C1835905, MONDO:0012474, OMIM 610353.
Inborn genetic diseases. Identifiers: MedGen C0950123, MeSH D030342.
Familial sleep-related hypermotor epilepsy. Also called: Autosomal Dominant Sleep-Related Hypermotor (Hyperkinetic) Epilepsy. Identifiers: Orphanet 98784, MedGen C3696898, MONDO:0000030.

Allele frequency attached by ClinVar (database versions not stated): gnomAD 0.00007; TOPMed 0.00009.
gnomAD v4.1: 39 of 1,613,778 alleles (0.0024%); highest among the groups gnomAD compares: Admixed American, 0.042%; no homozygotes.

Submissions (5):

Ambry Genetics
Classification: Likely benign for Inborn genetic diseases. Last evaluated: 2026-04-28. Review status: criteria provided, single submitter. Criteria: Ambry Variant Classification Scheme 2023. Collection method: clinical testing. Allele origin: germline.

Labcorp Genetics (formerly Invitae), Labcorp
Classification: Likely benign. Last evaluated: 2026-01-17. Review status: criteria provided, single submitter. Criteria: Invitae Variant Classification Sherloc (09022015). Collection method: clinical testing. Allele origin: germline.

Women's Health and Genetics/Laboratory Corporation of America, LabCorp
Classification: Uncertain significance. Last evaluated: 2024-10-01. Review status: criteria provided, single submitter. Criteria: LabCorp Variant Classification Summary - May 2015. Collection method: clinical testing. Allele origin: germline.
Comment: Variant summary: CHRNA2 c.1099C>T (p.Arg367Trp) results in a non-conservative amino acid change located in the Neurotransmitter-gated ion-channel transmembrane domain (IPR006029) of the encoded protein sequence. Five of five in-silico tools predict a damaging effect of the variant on protein function. The variant allele was found at a frequency of 7.6e-05 in 249216 control chromosomes, predominantly at a frequency of 0.00032 within the Latino subpopulation in the gnomAD database. This frequency is not significantly higher than estimated for a pathogenic variant in CHRNA2 causing Autosomal Dominant Nocturnal Frontal Lobe Epilepsy 4, allowing no conclusion about variant significance. To our knowledge, no occurrence of c.1099C>T in individuals affected with Autosomal Dominant Nocturnal Frontal Lobe Epilepsy 4 and no experimental evidence demonstrating its impact on protein function have been reported. ClinVar contains an entry for this variant (Variation ID: 362695). Based on the evidence outlined above, the variant was classified as uncertain significance.

GeneDx
Classification: Likely benign. Last evaluated: 2019-02-11. Review status: criteria provided, single submitter. Criteria: GeneDx Variant Classification Process June 2021. Collection method: clinical testing. Allele origin: germline. Affected: yes.

Illumina Laboratory Services, Illumina
Classification: Benign for Autosomal dominant nocturnal frontal lobe epilepsy 4. Last evaluated: 2018-01-12. Review status: criteria provided, single submitter. Criteria: ICSL Variant Classification Criteria 13 December 2019. Collection method: clinical testing. Allele origin: germline.
Comment: This variant was observed in the ICSL laboratory as part of a predisposition screen in an ostensibly healthy population. It had not been previously curated by ICSL or reported in the Human Gene Mutation Database (HGMD: prior to June 1st, 2018), and was therefore a candidate for classification through an automated scoring system. Utilizing variant allele frequency, disease prevalence and penetrance estimates, and inheritance mode, an automated score was calculated to assess if this variant is too frequent to cause the disease. Based on the score and internal cut-off values, a variant classified as benign is not then subjected to further curation. The score for this variant resulted in a classification of benign for this disease.

NM_000742.4(CHRNA2):c.1099C>T (p.Arg367Trp)

Gene: CHRNA2 (cholinergic receptor nicotinic alpha 2 subunit; minus strand). Cytogenetic location: 8p21.2.
Variant type: single nucleotide variant.
Coding change: c.1099C>T on transcript NM_000742.4 (MANE Select); coding-DNA position 1099, C replaced by T.
Protein change: p.Arg367Trp; replaces arginine 367 with tryptophan.
Molecular consequence: missense variant.
Genome position (GRCh38, 1-based): chr8:27,463,344, G>A on the plus strand (C>T on the coding strand, the complement: CHRNA2 is on the minus strand). VCF-style: chr8-27463344-G-A. GRCh37 (hg19) VCF-style: chr8-27320861-G-A.
Other names: c.1054C>T, p.Arg352Trp (NM_001282455.2); c.622C>T, p.Arg208Trp (NM_001347705.2, NM_001347706.2); c.505C>T, p.Arg169Trp (NM_001347707.2, NM_001347708.2); short protein forms R367W, R208W, R352W, R169W.
Identifiers: ClinVar variation 362695 (VCV000362695.20), dbSNP rs751699392, ClinGen allele CA4689531.